The following is an entry in ClinVar:

ClinVar aggregate classification (germline): Uncertain significance (1 of 4 stars; one submission).

Conditions:
Congenital contractural arachnodactyly (CCA). Also called: BEALS SYNDROME; Beals-Hecht syndrome; Arthrogryposis, distal, type 9. Identifiers: Orphanet 115, MedGen C0220668, MONDO:0007363, OMIM 121050.

Submission:

Labcorp Genetics (formerly Invitae), Labcorp
Classification: Uncertain significance for Congenital contractural arachnodactyly. Last evaluated: 2024-12-22. Review status: criteria provided, single submitter. Criteria: Invitae Variant Classification Sherloc (09022015). Collection method: clinical testing. Allele origin: germline.
Comment: This sequence change replaces alanine, which is neutral and non-polar, with threonine, which is neutral and polar, at codon 803 of the FBN2 protein (p.Ala803Thr). This variant is not present in population databases (gnomAD no frequency). This missense change has been observed in individual(s) with FBN2-related conditions (internal data). Invitae Evidence Modeling of protein sequence and biophysical properties (such as structural, functional, and spatial information, amino acid conservation, physicochemical variation, residue mobility, and thermodynamic stability) indicates that this missense variant is not expected to disrupt FBN2 protein function with a negative predictive value of 80%. In summary, the available evidence is currently insufficient to determine the role of this variant in disease. Therefore, it has been classified as a Variant of Uncertain Significance.

NM_001999.4(FBN2):c.2407G>A (p.Ala803Thr)

Gene: FBN2 (fibrillin 2; minus strand). Cytogenetic location: 5q23.3.
Variant type: single nucleotide variant.
Coding change: c.2407G>A on transcript NM_001999.4 (MANE Select); coding-DNA position 2407, G replaced by A.
Protein change: p.Ala803Thr; replaces alanine 803 with threonine.
Molecular consequence: missense variant.
Genome position (GRCh38, 1-based): chr5:128,364,621, C>T on the plus strand (G>A on the coding strand, the complement: FBN2 is on the minus strand). VCF-style: chr5-128364621-C-T. GRCh37 (hg19) VCF-style: chr5-127700314-C-T.
Other names: short protein forms A803T.
Identifiers: ClinVar variation 3668337 (VCV003668337.2).
Genomic context (GRCh38, chr5:128,364,621, plus strand): 5'-ATATGAAATGTTCTTGCATAAATATAACAAATAACTTACCAATACAGTTTCTTCCAGAGG[C>T]ATCTGGTTCATAGCCACTGTTGCAATTACAACGGTAACTACCACGTAAGTTTTCACAAAT-3'
Protein context (NP_001990.2, residues 793-813): CNCNSGYEPD[Ala803Thr]SGRNCIDIDE